The following is an entry in ClinVar:

ClinVar aggregate classification (germline): Uncertain significance. Review status: criteria provided, multiple submitters, no conflicts (2 of 4 stars). 2 submissions from 2 submitters: Uncertain significance (2). Last evaluated 2025-08-04.

Conditions:
Inborn genetic diseases. Identifiers: MedGen C0950123, MeSH D030342.
Agammaglobulinemia 4, autosomal recessive (AGM4). Also called: B cell linker protein deficiency; AGAMMAGLOBULINEMIA, AUTOSOMAL RECESSIVE, DUE TO BLNK DEFECT. Identifiers: MedGen C3150752, MONDO:0013289, OMIM 613502.

Allele frequency attached by ClinVar (database versions not stated): gnomAD 0.00001; gnomAD exomes 0.00002 and 0.00007; TOPMed 0.00003; ExAC 0.00012; 1000 Genomes Project 30x 0.00016; 1000 Genomes Project 0.00020.
gnomAD v4.1: 29 of 1,614,194 alleles (0.0018%); highest among the groups gnomAD compares: Admixed American, 0.033%; no homozygotes.

Submissions (2):

Ambry Genetics
Classification: Uncertain significance for Inborn genetic diseases. Last evaluated: 2025-08-04. Review status: criteria provided, single submitter. Criteria: Ambry Variant Classification Scheme 2023. Collection method: clinical testing. Allele origin: germline.

Labcorp Genetics (formerly Invitae), Labcorp
Classification: Uncertain significance for Agammaglobulinemia 4, autosomal recessive. Last evaluated: 2022-06-22. Review status: criteria provided, single submitter. Criteria: Invitae Variant Classification Sherloc (09022015). Collection method: clinical testing. Allele origin: germline.
Comment: This sequence change replaces valine, which is neutral and non-polar, with alanine, which is neutral and non-polar, at codon 85 of the BLNK protein (p.Val85Ala). This variant is present in population databases (rs587702260, gnomAD 0.03%). This variant has not been reported in the literature in individuals affected with BLNK-related conditions. ClinVar contains an entry for this variant (Variation ID: 575592). Algorithms developed to predict the effect of missense changes on protein structure and function output the following: SIFT: "Tolerated"; PolyPhen-2: "Benign"; Align-GVGD: "Class C0". The alanine amino acid residue is found in multiple mammalian species, which suggests that this missense change does not adversely affect protein function. In summary, the available evidence is currently insufficient to determine the role of this variant in disease. Therefore, it has been classified as a Variant of Uncertain Significance.

NM_013314.4(BLNK):c.254T>C (p.Val85Ala)

Gene: BLNK (B cell linker; minus strand). Cytogenetic location: 10q24.1.
Variant type: single nucleotide variant.
Coding change: c.254T>C on transcript NM_013314.4 (MANE Select); coding-DNA position 254, T replaced by C.
Protein change: p.Val85Ala; replaces valine 85 with alanine.
Molecular consequence: missense variant. On other transcripts: non-coding transcript variant (4).
Genome position (GRCh38, 1-based): chr10:96,227,517, A>G on the plus strand (T>C on the coding strand, the complement: BLNK is on the minus strand). VCF-style: chr10-96227517-A-G. GRCh37 (hg19) VCF-style: chr10-97987273-A-G.
Other names: c.254T>C, p.Val85Ala (NM_001114094.2, NM_001258440.2, NM_001258441.2 and 1 more transcripts); short protein forms V85A.
Identifiers: ClinVar variation 575592 (VCV000575592.8), dbSNP rs587702260, ClinGen allele CA5623528.
Genomic context (GRCh38, chr10:96,227,517, plus strand): 5'-GTTTCCTGCTCTACTGGAGGCGGCTCGTAGCTGTCATCAGCGTTCTCCTCGGCGGGCATC[A>G]CGTACATCTCTGAGTCCGAGTGCTCATCTGGATTTTCATAGTCGCTGTCCTGCAAGTGCA-3'
Protein context (NP_037446.1, residues 75-95): PDEHSDSEMY[Val85Ala]MPAEENADDS